The following is an entry in ClinVar:

ClinVar aggregate classification (germline): Pathogenic. Review status: criteria provided, multiple submitters, no conflicts (2 of 4 stars). 10 submissions from 10 submitters: Pathogenic (9). 1 of the submissions does not count toward it. Last evaluated 2025-10-22.

Conditions:
Isovaleryl-CoA dehydrogenase deficiency (IVA). Also called: ISOVALERIC ACID CoA DEHYDROGENASE DEFICIENCY; Isovaleric acidemia; Classic Isovaleric Acidemia; IVD DEFICIENCY. Identifiers: Orphanet 33, MedGen C0268575, MONDO:0009475, OMIM 243500.

Allele frequency attached by ClinVar (database versions not stated): gnomAD 0.00001 and 0.00002; gnomAD exomes 0.00001 and 0.00002; ExAC 0.00003; TOPMed 0.00004.
gnomAD v4.1: 19 of 1,613,560 alleles (0.0012%); highest among the groups gnomAD compares: Admixed American, 0.0083%; no homozygotes.

Submissions (10):

Natera, Inc.
Classification: Pathogenic for Isovaleryl-coa dehydrogenase deficiency. Last evaluated: 2025-10-22. Review status: criteria provided, single submitter. Criteria: Natera Variant Classification Schema (03/2026). Collection method: clinical testing. Allele origin: germline.
Comment: The c.465+2T>C variant in IVD is a canonical splice donor site variant predicted to affect pre-mRNA splicing, which may result in an abnormal transcript and altered protein product. This variant is expected to result in nonsense mediated decay, truncation, or a dysfunctional protein product. This variant is rare in the general population with a frequency below the threshold expected for the associated phenotype(s). This variant has been observed in one or more individuals affected with the associated recessive disease, as either homozygous or compound heterozygous with a second variant (PMID: 25220015). Given the available evidence, this variant is classified as Pathogenic.

Labcorp Genetics (formerly Invitae), Labcorp
Classification: Pathogenic for Isovaleryl-CoA dehydrogenase deficiency. Last evaluated: 2025-10-10. Review status: criteria provided, single submitter. Criteria: Invitae Variant Classification Sherloc (09022015). Collection method: clinical testing. Allele origin: germline.
Comment: This sequence change affects a donor splice site in intron 4 of the IVD gene. It is expected to disrupt RNA splicing. Variants that disrupt the donor or acceptor splice site typically lead to a loss of protein function (PMID: 16199547), and loss-of-function variants in IVD are known to be pathogenic (PMID: 16602101). This variant is present in population databases (rs398123683, gnomAD 0.006%). Disruption of this splice site has been observed in individuals with isovaleric acidemia (PMID: 10677295, 24637313). ClinVar contains an entry for this variant (Variation ID: 94055). Algorithms developed to predict the effect of sequence changes on RNA splicing suggest that this variant may disrupt the consensus splice site. For these reasons, this variant has been classified as Pathogenic.

3billion
Classification: Pathogenic for Isovaleryl-CoA dehydrogenase deficiency. Last evaluated: 2025-06-17. Review status: criteria provided, single submitter. Criteria: ACMG Guidelines, 2015. Collection method: clinical testing. Allele origin: germline. Affected: yes.
Comment: The variant is observed at an extremely low frequency in the gnomAD v4.1.0 dataset (total allele frequency: 0.001%). Predicted Consequence/Location: Canonical splice site: predicted to alter splicing and result in a loss or disruption of normal protein function. Multiple pathogenic loss-of-function variants are reported downstream of the variant. In silico tools predict the variant to alter splicing and produce an abnormal transcript [SpliceAI: 0.71 (spliceogenicity >=0.2, non-spliceogenicity <0.1)]. The variant has been reported at least twice as pathogenic with clinical assertions and evidence for the classification (ClinVar ID: VCV000094055 /PMID: 10677295). Therefore, this variant is classified as Pathogenic according to the recommendation of ACMG/AMP guideline.

Fulgent Genetics
Classification: Pathogenic for Isovaleryl-CoA dehydrogenase deficiency. Last evaluated: 2024-04-26. Review status: criteria provided, single submitter. Criteria: ACMG Guidelines, 2015. Collection method: clinical testing. Allele origin: germline.

Baylor Genetics
Classification: Pathogenic for Isovaleryl-CoA dehydrogenase deficiency. Last evaluated: 2024-02-21. Review status: criteria provided, single submitter. Criteria: ACMG Guidelines, 2015. Collection method: clinical testing. Allele origin: unknown.

CeGaT Center for Human Genetics Tuebingen
Classification: Pathogenic. Last evaluated: 2023-05-01. Review status: criteria provided, single submitter. Criteria: CeGaT Center For Human Genetics Tuebingen Variant Classification Criteria Version 2. Collection method: clinical testing. Allele origin: germline. Affected: yes. Observed: 1 variant allele.
Comment: IVD: PVS1, PM2, PP4

GeneDx
Classification: Pathogenic. Last evaluated: 2021-08-23. Review status: criteria provided, single submitter. Criteria: GeneDx Variant Classification Process June 2021. Collection method: clinical testing. Allele origin: germline. Affected: yes.
Comment: Canonical splice site variant predicted to result in a null allele in a gene for which loss-of-function is a known mechanism of disease; Not observed at significant frequency in large population cohorts (gnomAD); This variant is associated with the following publications: (PMID: 25525159, 33496032, 31707166, 25689098, 22960500, 24637313, 10677295, 28535199, 32778825)

Revvity Omics, Revvity
Classification: Pathogenic for Isovaleryl-CoA dehydrogenase deficiency. Last evaluated: 2019-04-29. Review status: criteria provided, single submitter. Criteria: ACMG Guidelines, 2015. Collection method: clinical testing. Allele origin: germline.

Eurofins Ntd Llc (ga)
Classification: Pathogenic. Last evaluated: 2012-09-06. Review status: criteria provided, single submitter. Criteria: EGL Classification Definitions. Collection method: clinical testing. Allele origin: germline. Observed: 3 variant alleles, 3 heterozygotes.

Counsyl
Classification: Likely pathogenic for Isovaleryl-CoA dehydrogenase deficiency. Last evaluated: 2015-04-02. Review status: no assertion criteria provided. Collection method: clinical testing. Allele origin: unknown. Not counted in ClinVar's aggregate classification.

Literature cited by the submitters: PubMed 25220015 (cited by Natera, Inc.); PubMed 16199547 (cited by Labcorp Genetics (formerly Invitae), Labcorp); PubMed 16602101 (cited by Labcorp Genetics (formerly Invitae), Labcorp); PubMed 10677295 (cited by 3 submitters); PubMed 24637313 (cited by Labcorp Genetics (formerly Invitae), Labcorp and Counsyl); PubMed 15486829 (cited by Counsyl).

NM_002225.5(IVD):c.456+2T>C

Gene: IVD (isovaleryl-CoA dehydrogenase; plus strand). Cytogenetic location: 15q15.1.
Variant type: single nucleotide variant.
Coding change: c.456+2T>C on transcript NM_002225.5 (MANE Select); the canonical splice donor site of the intron after coding-DNA position 456, T replaced by C.
Molecular consequence: splice donor variant.
Genome position (GRCh38, 1-based): chr15:40,410,799, T>C. VCF-style: chr15-40410799-T-C. GRCh37 (hg19) VCF-style: chr15-40702998-T-C.
Other names: c.543+2T>C (NM_001354600.3, NM_001354599.3); c.456+2T>C (NM_001354598.3, NM_001354601.3); c.408+2T>C (NM_001354597.3); c.366+2T>C (NM_001159508.3).
Identifiers: ClinVar variation 94055 (VCV000094055.53), dbSNP rs398123683, ClinGen allele CA221936.
Genomic context (GRCh38, chr15:40,410,799, plus strand): 5'-GCATCAACCAGCTTGTACGCAATGGGAATGAGGCCCAGAAAGAGAAGTATCTCCCGAAGG[T>C]GAGGAAATGGAAATGTAATACACGCTAATCTCACAGTGCAACCACCAACTAAAAGATACC-3'